The following is an entry in ClinVar:

NM_000059.4(BRCA2):c.9501G>C (p.Glu3167Asp)

Gene: BRCA2 (BRCA2 DNA repair associated; plus strand). Cytogenetic location: 13q13.1.
Variant type: single nucleotide variant.
Coding change: c.9501G>C on transcript NM_000059.4 (MANE Select); coding-DNA position 9501, G replaced by C.
Protein change: p.Glu3167Asp; replaces glutamic acid 3167 with aspartic acid.
Molecular consequence: missense variant.
Genome position (GRCh38, 1-based): chr13:32,394,933, G>C. VCF-style: chr13-32394933-G-C. GRCh37 (hg19) VCF-style: chr13-32969070-G-C.
Other names: short protein forms E3167D.
Identifiers: ClinVar variation 234895 (VCV000234895.14), dbSNP rs80359808, ClinGen allele CA10577498.

ClinVar aggregate classification (germline): Uncertain significance. Review status: criteria provided, multiple submitters, no conflicts (2 of 4 stars). 5 submissions from 5 submitters: Uncertain significance (5). Last evaluated 2025-10-24.

Conditions:
Hereditary cancer-predisposing syndrome. Also called: Hereditary neoplastic syndrome; Hereditary Cancer Syndrome; Neoplastic Syndromes, Hereditary; Tumor predisposition. Identifiers: Orphanet 140162, MedGen C0027672, MeSH D009386, MONDO:0015356.
Hereditary breast ovarian cancer syndrome. Also called: BRCA1- and BRCA2-Associated Hereditary Breast and Ovarian Cancer; Hereditary breast and ovarian cancer syndrome; Hereditary breast and ovarian cancer; Hereditary breast and ovarian cancer syndrome (HBOC); Breast and ovarian cancer; Hereditary breast and/or ovarian cancer syndrome. Identifiers: Orphanet 145, MedGen C0677776, MeSH D061325, MONDO:0003582. Disease mechanism: loss of function.

Allele frequency attached by ClinVar (database versions not stated): gnomAD 0.00001.
gnomAD v4.1: 1 of 1,613,782 alleles (0.000062%); highest among the groups gnomAD compares: African/African-American, 0.0013%; no homozygotes.

Submissions (5):

Quest Diagnostics Nichols Institute San Juan Capistrano
Classification: Uncertain significance. Last evaluated: 2025-10-24. Review status: criteria provided, single submitter. Criteria: Quest Diagnostics criteria. Collection method: clinical testing. Allele origin: unknown.
Comment: The BRCA2 c.9501G>C (p.Glu3167Asp) variant has been reported in the published literature to have damaging effects in saturation genome editing assays measuring DNA repair-dependent cell survival (PMIDs: 39779848 (2025), 39779857 (2025)). This variant has not been reported in large, multi-ethnic general populations (Genome Aggregation Database). Analysis of this variant using bioinformatics tools for the prediction of the effect of amino acid changes on protein structure and function yielded conflicting predictions that this variant is deleterious or benign. Additional analysis using software algorithms for the prediction of the effect of nucleotide changes on splicing yielded predictions that this variant may affect proper BRCA2 mRNA splicing. Based on the available information, we are unable to determine the clinical significance of this variant.

Labcorp Genetics (formerly Invitae), Labcorp
Classification: Uncertain significance for Hereditary breast ovarian cancer syndrome. Last evaluated: 2025-06-04. Review status: criteria provided, single submitter. Criteria: Invitae Variant Classification Sherloc (09022015). Collection method: clinical testing. Allele origin: germline.
Comment: This sequence change replaces glutamic acid, which is acidic and polar, with aspartic acid, which is acidic and polar, at codon 3167 of the BRCA2 protein (p.Glu3167Asp). This variant also falls at the last nucleotide of exon 25, which is part of the consensus splice site for this exon. This variant is not present in population databases (gnomAD no frequency). This variant has not been reported in the literature in individuals affected with BRCA2-related conditions. ClinVar contains an entry for this variant (Variation ID: 234895). An algorithm developed to predict the effect of missense changes on protein structure and function (PolyPhen-2) suggests that this variant is likely to be tolerated. Variants that disrupt the consensus splice site are a relatively common cause of aberrant splicing (PMID: 17576681, 9536098). Algorithms developed to predict the effect of sequence changes on RNA splicing suggest that this variant may disrupt the consensus splice site. In summary, the available evidence is currently insufficient to determine the role of this variant in disease. Therefore, it has been classified as a Variant of Uncertain Significance.

Ambry Genetics
Classification: Uncertain significance for Hereditary cancer-predisposing syndrome. Last evaluated: 2025-04-21. Review status: criteria provided, single submitter. Criteria: Ambry Variant Classification Scheme 2023. Collection method: clinical testing. Allele origin: germline.
Comment: The c.9501G>C variant (also known as p.E3167D), located in coding exon 24 of the BRCA2 gene, results from a G to C substitution at nucleotide position 9501. The amino acid change results in glutamic acid to aspartic acid at codon 3167, an amino acid with highly similar properties. A saturation genome editing-based study using a haploid cell-survival assay demonstrates that this nucleotide substitution is non-functional (Huang H et al. Nature. 2025 Feb;638(8050):528-537). This amino acid position is well conserved in available vertebrate species. In addition, the in silico prediction for this alteration is inconclusive. However, this change occurs in the last base pair of coding exon 24, which makes it likely to have some effect on normal mRNA splicing. This nucleotide position is highly conserved in available vertebrate species. In silico splice site analysis for this alteration is inconclusive. RNA studies have demonstrated that this alteration does not result in abnormal splicing in the set of samples tested (Ambry internal data). Since supporting evidence is limited at this time, the clinical significance of this alteration remains unclear.

Color Diagnostics, LLC DBA Color Health
Classification: Uncertain significance for Hereditary cancer-predisposing syndrome. Last evaluated: 2021-04-14. Review status: criteria provided, single submitter. Criteria: ACMG Guidelines, 2015. Collection method: clinical testing. Allele origin: germline.
Comment: This missense variant replaces glutamic acid with aspartic acid at codon 3167 of the BRCA2 protein. Computational prediction is inconclusive regarding the impact of this variant on protein structure and function (internally defined REVEL score threshold 0.5 < inconclusive < 0.7, PMID: 27666373). To our knowledge, functional studies have not been reported for this variant. This variant has not been reported in individuals affected with hereditary cancer in the literature. This variant has not been identified in the general population by the Genome Aggregation Database (gnomAD). The available evidence is insufficient to determine the role of this variant in disease conclusively. Therefore, this variant is classified as a Variant of Uncertain Significance.

GeneDx
Classification: Uncertain significance. Last evaluated: 2016-03-10. Review status: criteria provided, single submitter. Criteria: GeneDx Variant Classification (06012015). Collection method: clinical testing. Allele origin: germline. Affected: yes.
Comment: This variant is denoted BRCA2 c.9501G>C at the cDNA level, p.Glu3167Asp (E3167D) at the protein level, and results in the change of a Glutamic Acid to an Aspartic Acid (GAG>GAC). Using alternate nomenclature, this variant would be defined as BRCA2 9729G>C. This variant has not, to our knowledge, been published in the literature as pathogenic or benign. BRCA2 Glu3167Asp was not observed in approximately 6,500 individuals of European and African American ancestry in the NHLBI Exome Sequencing Project, suggesting it is not a common benign variant in these populations. Since Glutamic Acid and Aspartic Acid share similar properties, this is considered a conservative amino acid substitution. BRCA2 Glu3167Asp occurs at a position that is not conserved and is not located in a known functional domain (Cole 2011). While protein-based in silico analyses are inconsistent regarding the effect this variant may have on protein structure and function, multiple splicing models predict that this variant may damage the nearby natural splice donor site. Based on currently available evidence, it is unclear whether BRCA2 Glu3167Asp is a pathogenic or benign variant. We consider it to be a variant of uncertain significance.

Literature cited by the submitters: PubMed 39779857 (cited by Quest Diagnostics Nichols Institute San Juan Capistrano and Ambry Genetics); PubMed 39779848 (cited by Quest Diagnostics Nichols Institute San Juan Capistrano); PubMed 26295337 (cited by Quest Diagnostics Nichols Institute San Juan Capistrano); PubMed 17576681 (cited by Labcorp Genetics (formerly Invitae), Labcorp); PubMed 9536098 (cited by Labcorp Genetics (formerly Invitae), Labcorp).